The following is an entry in ClinVar:

ClinVar aggregate classification (germline): Uncertain significance. Review status: criteria provided, multiple submitters, no conflicts (2 of 4 stars). 2 submissions from 2 submitters: Uncertain significance (2). Last evaluated 2025-05-18.

Conditions:
Inborn genetic diseases. Identifiers: MedGen C0950123, MeSH D030342.

Allele frequency attached by ClinVar (database versions not stated): gnomAD 0.00002; TOPMed 0.00002.

Submissions (2):

Ambry Genetics
Classification: Uncertain significance for Inborn genetic diseases. Last evaluated: 2025-05-18. Review status: criteria provided, single submitter. Criteria: Ambry Variant Classification Scheme 2023. Collection method: clinical testing. Allele origin: germline.

Labcorp Genetics (formerly Invitae), Labcorp
Classification: Uncertain significance. Last evaluated: 2023-08-17. Review status: criteria provided, single submitter. Criteria: Invitae Variant Classification Sherloc (09022015). Collection method: clinical testing. Allele origin: germline.
Comment: This sequence change replaces lysine, which is basic and polar, with asparagine, which is neutral and polar, at codon 497 of the CDT1 protein (p.Lys497Asn). This variant is present in population databases (no rsID available, gnomAD 0.002%). This variant has not been reported in the literature in individuals affected with CDT1-related conditions. ClinVar contains an entry for this variant (Variation ID: 2191415). An algorithm developed to predict the effect of missense changes on protein structure and function (PolyPhen-2) suggests that this variant¬†is likely to be tolerated. In summary, the available evidence is currently insufficient to determine the role of this variant in disease. Therefore, it has been classified as a Variant of Uncertain Significance.

NM_030928.4(CDT1):c.1491G>C (p.Lys497Asn)

Gene: CDT1 (chromatin licensing and DNA replication factor 1; plus strand). Cytogenetic location: 16q24.3.
Variant type: single nucleotide variant.
Coding change: c.1491G>C on transcript NM_030928.4 (MANE Select); coding-DNA position 1491, G replaced by C.
Protein change: p.Lys497Asn; replaces lysine 497 with asparagine.
Molecular consequence: missense variant.
Genome position (GRCh38, 1-based): chr16:88,808,128, G>C. VCF-style: chr16-88808128-G-C. GRCh37 (hg19) VCF-style: chr16-88874536-G-C.
Other names: c.1491G>C (NM_030928.3); short protein forms K497N.
Identifiers: ClinVar variation 2191415 (VCV002191415.3), dbSNP rs1208488728, ClinGen allele CA397082935.